The following is an entry in ClinVar:

ClinVar aggregate classification (germline): Pathogenic (1 of 4 stars; one submission).

gnomAD v4.1: 4 of 1,613,922 alleles (0.00025%); highest among the groups gnomAD compares: Non-Finnish European, 0.00034%; no homozygotes.

Submission:

GeneDx
Classification: Pathogenic. Last evaluated: 2025-05-05. Review status: criteria provided, single submitter. Criteria: GeneDx Variant Classification Process June 2021. Collection method: clinical testing. Allele origin: germline. Affected: yes.
Comment: Nonsense variant predicted to result in protein truncation or nonsense mediated decay in a gene for which loss of function is a known mechanism of disease; Not observed at significant frequency in large population cohorts (gnomAD); This variant is associated with the following publications: (PMID: 23278235, 21936020)

NM_017671.5(FERMT1):c.1051G>T (p.Glu351Ter)

Gene: FERMT1 (FERM domain containing kindlin 1; minus strand). Cytogenetic location: 20p12.3.
Variant type: single nucleotide variant.
Coding change: c.1051G>T on transcript NM_017671.5 (MANE Select); coding-DNA position 1051, G replaced by T.
Protein change: p.Glu351Ter; replaces glutamic acid 351 with a stop codon.
Molecular consequence: nonsense.
Genome position (GRCh38, 1-based): chr20:6,096,940, C>A on the plus strand (G>T on the coding strand, the complement: FERMT1 is on the minus strand). VCF-style: chr20-6096940-C-A. GRCh37 (hg19) VCF-style: chr20-6077587-C-A.
Other names: short protein forms E351*.
Identifiers: ClinVar variation 4528254 (VCV004528254.1).